The following is an entry in ClinVar:

ClinVar aggregate classification (germline): Pathogenic (1 of 4 stars; one submission).

Conditions:
Familial thoracic aortic aneurysm and aortic dissection (TAAD). Also called: Thoracic aortic aneurysms and dissections. Identifiers: Orphanet 91387, MedGen C4707243, MONDO:0019625.
Marfan syndrome (MFS). Also called: FBN1-Related Marfan Syndrome; Marfan syndrome type 1; Marfan's syndrome; Marfan syndrome, classic; MARFAN SYNDROME, TYPE I. Identifiers: Orphanet 284963, Orphanet 558, MedGen C0024796, MONDO:0007947, OMIM 154700.

Submission:

Labcorp Genetics (formerly Invitae), Labcorp
Classification: Pathogenic for Marfan syndrome; Familial thoracic aortic aneurysm and aortic dissection. Last evaluated: 2018-04-03. Review status: criteria provided, single submitter. Criteria: Invitae Variant Classification Sherloc (09022015). Collection method: clinical testing. Allele origin: germline.
Comment: For these reasons, this variant has been classified as Pathogenic. Loss-of-function variants in FBN1 are known to be pathogenic (PMID: 17657824, 19293843). This variant has not been reported in the literature in individuals with FBN1-related disease. This variant is not present in population databases (ExAC no frequency). This sequence change creates a premature translational stop signal (p.Tyr1637*) in the FBN1 gene. It is expected to result in an absent or disrupted protein product.

Literature cited by the submitters: PubMed 17657824; PubMed 19293843.

NM_000138.5(FBN1):c.4911C>A (p.Tyr1637Ter)

Gene: FBN1 (fibrillin 1; minus strand). Cytogenetic location: 15q21.1.
Variant type: single nucleotide variant.
Coding change: c.4911C>A on transcript NM_000138.5 (MANE Select); coding-DNA position 4911, C replaced by A.
Protein change: p.Tyr1637Ter; replaces tyrosine 1637 with a stop codon.
Molecular consequence: nonsense.
Genome position (GRCh38, 1-based): chr15:48,465,599, G>T on the plus strand (C>A on the coding strand, the complement: FBN1 is on the minus strand). VCF-style: chr15-48465599-G-T. GRCh37 (hg19) VCF-style: chr15-48757796-G-T.
Other names: short protein forms Y1637*.
Identifiers: ClinVar variation 581702 (VCV000581702.6), dbSNP rs1566903921, ClinGen allele CA392351114.